The following is an entry in ClinVar:

NM_004519.4(KCNQ3):c.477G>A (p.Leu159=)

Gene: KCNQ3 (potassium voltage-gated channel subfamily Q member 3; minus strand). Cytogenetic location: 8q24.22.
Variant type: single nucleotide variant.
Coding change: c.477G>A on transcript NM_004519.4 (MANE Select); coding-DNA position 477, G replaced by A.
Protein change: p.Leu159=; no amino-acid change (leucine 159 retained).
Molecular consequence: synonymous variant.
Genome position (GRCh38, 1-based): chr8:132,186,091, C>T on the plus strand (G>A on the coding strand, the complement: KCNQ3 is on the minus strand). VCF-style: chr8-132186091-C-T. GRCh37 (hg19) VCF-style: chr8-133198338-C-T.
Other names: c.117G>A, p.Leu39= (NM_001204824.2).
Identifiers: ClinVar variation 1032216 (VCV001032216.1), dbSNP rs1826947671, ClinGen allele CA463070698.

ClinVar aggregate classification (germline): Uncertain significance (1 of 4 stars; one submission).

Conditions:
Seizures, benign familial neonatal, 2. Also called: Benign Neonatal Epilepsy 2; CONVULSIONS, BENIGN FAMILIAL NEONATAL, 2; Seizures, benign neonatal, 2; KCNQ3-Related Benign Familial Neonatal Epilepsy; KCNQ3-Related Self-Limited Familial Neonatal Epilepsy (SLFNE). Identifiers: Orphanet 1949, MedGen C1852581, MONDO:0007366, OMIM 121201.

Allele frequency attached by ClinVar (database versions not stated): TOPMed below 0.00001; gnomAD 0.00001.
gnomAD v4.1: 1 of 1,610,090 alleles (0.000062%); highest among the groups gnomAD compares: African/African-American, 0.0013%; no homozygotes.

Submission:

Baylor Genetics
Classification: Uncertain significance for Seizures, benign familial neonatal, 2. Last evaluated: 2018-02-22. Review status: criteria provided, single submitter. Criteria: ACMG Guidelines, 2015. Collection method: clinical testing. Allele origin: unknown. Affected: yes.
Comment: This variant was determined to be of uncertain significance according to ACMG Guidelines, 2015 [PMID:25741868].